The following is an entry in ClinVar:

ClinVar aggregate classification (germline): Likely benign (1 of 4 stars; one submission).

Allele frequency attached by ClinVar (database versions not stated): ExAC 0.00002; gnomAD exomes 0.00002; gnomAD 0.00003; TOPMed 0.00004.
gnomAD v4.1: 31 of 1,612,034 alleles (0.0019%); highest among the groups gnomAD compares: East Asian, 0.051%; no homozygotes.

Submission:

CeGaT Center for Human Genetics Tuebingen
Classification: Likely benign. Last evaluated: 2023-03-01. Review status: criteria provided, single submitter. Criteria: CeGaT Center For Human Genetics Tuebingen Variant Classification Criteria Version 2. Collection method: clinical testing. Allele origin: germline. Affected: yes. Observed: 1 variant allele.
Comment: MIDN: BP4, BP7

NM_001388306.1(MIDN):c.1356G>A (p.Arg452=)

Gene: MIDN (midnolin; plus strand). Cytogenetic location: 19p13.3.
Variant type: single nucleotide variant.
Coding change: c.1356G>A on transcript NM_001388306.1 (MANE Select); coding-DNA position 1356, G replaced by A.
Protein change: p.Arg452=; no amino-acid change (arginine 452 retained).
Molecular consequence: synonymous variant.
Genome position (GRCh38, 1-based): chr19:1,257,092, G>A. VCF-style: chr19-1257092-G-A. GRCh37 (hg19) VCF-style: chr19-1257091-G-A.
Other names: c.1224G>A, p.Arg408= (NM_001388307.1); c.1227G>A, p.Arg409= (NM_001388474.1, NM_177401.5).
Identifiers: ClinVar variation 2648911 (VCV002648911.24), dbSNP rs747187886, ClinGen allele CA9040971.